The following is an entry in ClinVar:

NM_001031689.3(PLAA):c.845A>G (p.Asn282Ser)

Gene: PLAA (phospholipase A2 activating protein; minus strand). Cytogenetic location: 9p21.2.
Variant type: single nucleotide variant.
Coding change: c.845A>G on transcript NM_001031689.3 (MANE Select); coding-DNA position 845, A replaced by G.
Protein change: p.Asn282Ser; replaces asparagine 282 with serine.
Molecular consequence: missense variant.
Genome position (GRCh38, 1-based): chr9:26,925,849, T>C on the plus strand (A>G on the coding strand, the complement: PLAA is on the minus strand). VCF-style: chr9-26925849-T-C. GRCh37 (hg19) VCF-style: chr9-26925847-T-C.
Other names: c.845A>G, p.Asn282Ser (NM_001321546.2); short protein forms N282S.
Identifiers: ClinVar variation 1929186 (VCV001929186.4), dbSNP rs770526842, ClinGen allele CA5014538.
Genomic context (GRCh38, chr9:26,925,849, plus strand): 5'-CATATAACATTTAATGATTGACTAGAATATAAATACCTCGCACCAACCACAATGTCACCA[T>C]TGTCGAGCACACAGCAGCACCATATAGACTGAGCTGGAAGTCGGATAGTTTGAGCACATT-3'
Protein context (NP_001026859.1, residues 272-292): QSIWCCCVLD[Asn282Ser]GDIVVGASDG

ClinVar aggregate classification (germline): Uncertain significance (1 of 4 stars; one submission).

Allele frequency attached by ClinVar (database versions not stated): ExAC 0.00001; gnomAD exomes 0.00001; TOPMed 0.00001.
gnomAD v4.1: 4 of 1,614,044 alleles (0.00025%); highest among the groups gnomAD compares: Admixed American, 0.0033%; no homozygotes.

Submission:

Labcorp Genetics (formerly Invitae), Labcorp
Classification: Uncertain significance. Last evaluated: 2024-09-30. Review status: criteria provided, single submitter. Criteria: Invitae Variant Classification Sherloc (09022015). Collection method: clinical testing. Allele origin: germline.
Comment: This sequence change replaces asparagine, which is neutral and polar, with serine, which is neutral and polar, at codon 282 of the PLAA protein (p.Asn282Ser). This variant is present in population databases (rs770526842, gnomAD 0.006%). This variant has not been reported in the literature in individuals affected with PLAA-related conditions. ClinVar contains an entry for this variant (Variation ID: 1929186). Invitae Evidence Modeling of protein sequence and biophysical properties (such as structural, functional, and spatial information, amino acid conservation, physicochemical variation, residue mobility, and thermodynamic stability) has been performed for this missense variant. However, the output from this modeling did not meet the statistical confidence thresholds required to predict the impact of this variant on PLAA protein function. In summary, the available evidence is currently insufficient to determine the role of this variant in disease. Therefore, it has been classified as a Variant of Uncertain Significance.